The following is an entry in ClinVar:

ClinVar aggregate classification (germline): Benign. Review status: criteria provided, multiple submitters, no conflicts (2 of 4 stars). 4 submissions from 4 submitters: Benign (3). 1 of the submissions does not count toward it. Last evaluated 2026-02-01.

Conditions:
ESR2-related disorder. Also called: ESR2-related condition.

Allele frequency attached by ClinVar (database versions not stated): gnomAD exomes 0.05123 and 0.09490; 1000 Genomes Project 30x 0.15740; ESP Exome Variant Server 0.06028; ExAC 0.09162; gnomAD 0.08257 and 0.07934; TOPMed 0.08876; 1000 Genomes Project 0.16154.
gnomAD v4.1: 87,931 of 1,606,512 alleles (5.5%); highest among the groups gnomAD compares: East Asian, 41%; 6,384 homozygotes.

Submissions (4):

Labcorp Genetics (formerly Invitae), Labcorp
Classification: Benign. Last evaluated: 2026-02-01. Review status: criteria provided, single submitter. Criteria: Invitae Variant Classification Sherloc (09022015). Collection method: clinical testing. Allele origin: germline.

GeneDx
Classification: Benign. Last evaluated: 2018-07-09. Review status: criteria provided, single submitter. Criteria: GeneDx Variant Classification Process June 2021. Collection method: clinical testing. Allele origin: germline. Affected: yes.
Comment: This variant is associated with the following publications: (PMID: 16553027)

Breakthrough Genomics
Classification: Benign. Review status: criteria provided, single submitter. Criteria: ACMG Guidelines, 2015. Collection method: not provided. Allele origin: germline. Inheritance: Autosomal dominant inheritance. Affected: yes.

PreventionGenetics, part of Exact Sciences
Classification: Benign for ESR2-related condition. Last evaluated: 2019-02-22. Review status: no assertion criteria provided. Collection method: clinical testing. Allele origin: germline. Not counted in ClinVar's aggregate classification.
Comment: This variant is classified as benign based on ACMG/AMP sequence variant interpretation guidelines (Richards et al. 2015 PMID: 25741868, with internal and published modifications).

NM_001437.3(ESR2):c.1407-4A>G

Gene: ESR2 (estrogen receptor 2; minus strand). Cytogenetic location: 14q23.2.
Variant type: single nucleotide variant.
Coding change: c.1407-4A>G on transcript NM_001437.3 (MANE Select); 4 bases into the intron before coding-DNA position 1407, A replaced by G.
Molecular consequence: intron variant.
Genome position (GRCh38, 1-based): chr14:64,233,327, T>C on the plus strand (A>G on the coding strand, the complement: ESR2 is on the minus strand). VCF-style: chr14-64233327-T-C. GRCh37 (hg19) VCF-style: chr14-64700045-T-C.
Other names: c.1407-4A>G (NM_001437.2); c.1406+1643A>G (NM_001291712.2, NM_001291723.1, NM_001040275.1 and 2 more transcripts); c.1134-4A>G (NM_001271877.1).
Identifiers: ClinVar variation 1267790 (VCV001267790.13), dbSNP rs944050, ClinGen allele CA7225175.
Genomic context (GRCh38, chr14:64,233,327, plus strand): 5'-TACACTGGGACCACATTTTTGCACTTCATGTTGAGCAGATGTTCCATGCCCTTGTTACTA[T>C]GGGGACAAAAAGGTGCTGAGATTCCCTCCTCCGAGGCAGCCACAGGAACCCCGAAGCCTT-3'